The following is an entry in ClinVar:

NM_000548.5(TSC2):c.3684dup (p.Gln1229fs)

Gene: TSC2 (TSC complex subunit 2; plus strand). Cytogenetic location: 16p13.3.
Variant type: Duplication.
Coding change: c.3684dup on transcript NM_000548.5 (MANE Select); coding-DNA position 3684, one base duplicated (G; older notation c.3684dupG).
Protein change: p.Gln1229fs; shifts the reading frame from glutamine 1229.
Molecular consequence: frameshift variant. On other transcripts: non-coding transcript variant (5).
Genome position (GRCh38, 1-based): chr16:2,081,668, G duplicated. VCF-style (leftmost placement, unchanged base first): chr16-2081667-T-TG. GRCh37 (hg19) VCF-style: chr16-2131668-T-TG.
Other names: c.3552dup, p.Gln1185fs (NM_001406665.1, NM_001370404.1, NM_001077183.3); c.3645dup, p.Gln1216fs (NM_001406667.1); c.3642dup, p.Gln1215fs (NM_001406668.1); c.3573dup, p.Gln1192fs (NM_001406670.1); c.3543dup, p.Gln1182fs (NM_001406671.1); c.3540dup, p.Gln1181fs (NM_001406673.1); c.3537dup, p.Gln1180fs (NM_001406675.1); c.3534dup, p.Gln1179fs (NM_001406676.1); and 18 more; short protein forms Q1148fs, Q1180fs, Q737fs, Q1136fs, Q1166fs, Q1185fs, Q1186fs, Q1196fs.
Identifiers: ClinVar variation 2910389 (VCV002910389.4), dbSNP rs2544156047, ClinGen allele CA2695221975.

ClinVar aggregate classification (germline): Pathogenic. Review status: criteria provided, multiple submitters, no conflicts (2 of 4 stars). 2 submissions from 2 submitters: Pathogenic (2). Last evaluated 2024-01-30.

Conditions:
Tuberous sclerosis 2 (TSC2). Identifiers: Orphanet 805, MedGen C1860707, MONDO:0013199, OMIM 613254.
Tuberous sclerosis syndrome (TSC). Also called: Tuberous Sclerosis Complex; Tuberous sclerosis. Identifiers: Orphanet 805, MedGen C0041341, MONDO:0001734.

Submissions (2):

Labcorp Genetics (formerly Invitae), Labcorp
Classification: Pathogenic for Tuberous sclerosis 2. Last evaluated: 2024-01-30. Review status: criteria provided, single submitter. Criteria: Invitae Variant Classification Sherloc (09022015). Collection method: clinical testing. Allele origin: germline.
Comment: This sequence change creates a premature translational stop signal (p.Gln1229Alafs*5) in the TSC2 gene. It is expected to result in an absent or disrupted protein product. Loss-of-function variants in TSC2 are known to be pathogenic (PMID: 10205261, 17304050). This variant is not present in population databases (gnomAD no frequency). This premature translational stop signal has been observed in individual(s) with TSC-associated renal angiomyolipoma (PMID: 30036593). This variant is also known as c.3683_3684insG. Algorithms developed to predict the effect of sequence changes on RNA splicing suggest that this variant may create or strengthen a splice site. For these reasons, this variant has been classified as Pathogenic.

Department of Pathology and Laboratory Medicine, Sinai Health System
Classification: Pathogenic for tuberous sclerosis. Last evaluated: 2023-05-01. Review status: criteria provided, single submitter. Criteria: ACMG Guidelines, 2015. Collection method: clinical testing. Allele origin: germline. Affected: yes.

Literature cited by the submitters: PubMed 10205261 (cited by Labcorp Genetics (formerly Invitae), Labcorp); PubMed 17304050 (cited by Labcorp Genetics (formerly Invitae), Labcorp); PubMed 30036593 (cited by Labcorp Genetics (formerly Invitae), Labcorp).